The following is an entry in ClinVar:

ClinVar aggregate classification (germline): Uncertain significance (1 of 4 stars; one submission).

Allele frequency attached by ClinVar (database versions not stated): gnomAD 0.00001; gnomAD exomes below 0.00001; TOPMed below 0.00001 and 0.00001; ExAC 0.00001.
gnomAD v4.1: 8 of 1,608,486 alleles (0.0005%); highest among the groups gnomAD compares: African/African-American, 0.0027%; no homozygotes.

Submission:

Women's Health and Genetics/Laboratory Corporation of America, LabCorp
Classification: Uncertain significance. Last evaluated: 2020-07-13. Review status: criteria provided, single submitter. Criteria: LabCorp Variant Classification Summary - May 2015. Collection method: clinical testing. Allele origin: germline.
Comment: Variant summary: TTN c.49314T>A (p.Asp16438Glu) results in a conservative amino acid change located in the A-band region of the encoded protein sequence. Four of five in-silico tools predict a benign effect of the variant on protein function. The variant allele was found at a frequency of 4.1e-06 in 243820 control chromosomes (gnomAD). The available data on variant occurrences in the general population are insufficient to allow any conclusion about variant significance. To our knowledge, no occurrence of c.49314T>A in individuals affected with Cardiomyopathy and no experimental evidence demonstrating its impact on protein function have been reported. A co-occurrence with a pathogenic variant has been reported (TTR c.424G>A, p.Val142Ile; Internal testing). No clinical diagnostic laboratories have submitted clinical-significance assessments for this variant to ClinVar after 2014. Based on the evidence outlined above, the variant was classified as uncertain significance.

NM_001267550.2(TTN):c.57018T>A (p.Asp19006Glu)

Genes: TTN (titin; minus strand), TTN-AS1 (TTN antisense RNA 1; plus strand). Cytogenetic location: 2q31.2.
Variant type: single nucleotide variant.
Coding change: c.57018T>A on transcript NM_001267550.2 (MANE Select); coding-DNA position 57018, T replaced by A.
Protein change: p.Asp19006Glu; replaces aspartic acid 19006 with glutamic acid.
Molecular consequence: missense variant. On other transcripts: non-coding transcript variant (1).
Genome position (GRCh38, 1-based): chr2:178,598,599, A>T on the plus strand (T>A on the coding strand, the complement: TTN is on the minus strand). VCF-style: chr2-178598599-A-T. GRCh37 (hg19) VCF-style: chr2-179463326-A-T.
Other names: c.52095T>A, p.Asp17365Glu (NM_001256850.1); c.29823T>A, p.Asp9941Glu (NM_003319.4); c.49314T>A, p.Asp16438Glu (NM_133378.4); c.30198T>A, p.Asp10066Glu (NM_133432.3); c.30399T>A, p.Asp10133Glu (NM_133437.4); short protein forms D10066E, D10133E, D16438E, D17365E, D19006E, D9941E.
Identifiers: ClinVar variation 974956 (VCV000974956.1), dbSNP rs780515211, ClinGen allele CA1993124.
Genomic context (GRCh38, chr2:178,598,599, plus strand): 5'-TTCAACGATGTATCCAGTTACTTTGGATCCACCATCTTTTAGTGGGGGAGACCACTCCAG[A>T]TCTGCAGATGATTTAGTCCAATCTGTCACTTTGGGAAATGGAGGACCAGGAGGGGCTGCA-3'
Protein context (NP_001254479.2, residues 18996-19016): KVTDWTKSSA[Asp19006Glu]LEWSPPLKDG